The following is an entry in ClinVar:

NM_006939.4(SOS2):c.439A>G (p.Asn147Asp)

Gene: SOS2 (SOS Ras/Rho guanine nucleotide exchange factor 2; minus strand). Cytogenetic location: 14q21.3.
Variant type: single nucleotide variant.
Coding change: c.439A>G on transcript NM_006939.4 (MANE Select); coding-DNA position 439, A replaced by G.
Protein change: p.Asn147Asp; replaces asparagine 147 with aspartic acid.
Molecular consequence: missense variant.
Genome position (GRCh38, 1-based): chr14:50,199,762, T>C on the plus strand (A>G on the coding strand, the complement: SOS2 is on the minus strand). VCF-style: chr14-50199762-T-C. GRCh37 (hg19) VCF-style: chr14-50666480-T-C.
Other names: c.439A>G, p.Asn147Asp (NM_001411020.1); short protein forms N147D.
Identifiers: ClinVar variation 1740268 (VCV001740268.5), dbSNP rs1435992315, ClinGen allele CA389649596.

ClinVar aggregate classification (germline): Uncertain significance. Review status: criteria provided, multiple submitters, no conflicts (2 of 4 stars). 2 submissions from 2 submitters: Uncertain significance (2). Last evaluated 2025-03-05.

Conditions:
Cardiovascular phenotype. Identifiers: MedGen CN230736.
Noonan syndrome 9 (NS9). Identifiers: Orphanet 648, MedGen C4225282, MONDO:0014691, OMIM 616559.

Allele frequency attached by ClinVar (database versions not stated): gnomAD 0.00001; TOPMed 0.00001.
gnomAD v4.1: 1 of 1,606,142 alleles (0.000062%); highest among the groups gnomAD compares: African/African-American, 0.0013%; no homozygotes.

Submissions (2):

Labcorp Genetics (formerly Invitae), Labcorp
Classification: Uncertain significance for Noonan syndrome 9. Last evaluated: 2025-03-05. Review status: criteria provided, single submitter. Criteria: Invitae Variant Classification Sherloc (09022015). Collection method: clinical testing. Allele origin: germline.
Comment: This sequence change replaces asparagine, which is neutral and polar, with aspartic acid, which is acidic and polar, at codon 147 of the SOS2 protein (p.Asn147Asp). This variant is not present in population databases (gnomAD no frequency). This variant has not been reported in the literature in individuals affected with SOS2-related conditions. ClinVar contains an entry for this variant (Variation ID: 1740268). Invitae Evidence Modeling of protein sequence and biophysical properties (such as structural, functional, and spatial information, amino acid conservation, physicochemical variation, residue mobility, and thermodynamic stability) indicates that this missense variant is not expected to disrupt SOS2 protein function with a negative predictive value of 95%. In summary, the available evidence is currently insufficient to determine the role of this variant in disease. Therefore, it has been classified as a Variant of Uncertain Significance.

Ambry Genetics
Classification: Uncertain significance for Cardiovascular phenotype. Last evaluated: 2022-04-03. Review status: criteria provided, single submitter. Criteria: Ambry Variant Classification Scheme 2023. Collection method: clinical testing. Allele origin: germline.
Comment: The p.N147D variant (also known as c.439A>G), located in coding exon 4 of the SOS2 gene, results from an A to G substitution at nucleotide position 439. The asparagine at codon 147 is replaced by aspartic acid, an amino acid with highly similar properties. This amino acid position is conserved. In addition, the in silico prediction for this alteration is inconclusive. Since supporting evidence is limited at this time, the clinical significance of this alteration remains unclear.